The following is an entry in ClinVar:

ClinVar aggregate classification (germline): Uncertain significance (1 of 4 stars; one submission).

Conditions:
Facioscapulohumeral muscular dystrophy 2 (FSHD2). Also called: MUSCULAR DYSTROPHY, FACIOSCAPULOHUMERAL, TYPE 1B; FACIOSCAPULOHUMERAL MUSCULAR DYSTROPHY 2, DIGENIC; FSHD2, DIGENIC. Identifiers: Orphanet 269, MedGen C1834671, MONDO:0008031, OMIM 158901.

Allele frequency attached by ClinVar (database versions not stated): gnomAD exomes below 0.00001.
gnomAD v4.1: 1 of 1,500,912 alleles (0.000067%); highest among the groups gnomAD compares: African/African-American, 0.0014%; no homozygotes.

Submission:

Labcorp Genetics (formerly Invitae), Labcorp
Classification: Uncertain significance for Facioscapulohumeral muscular dystrophy 2. Last evaluated: 2023-11-19. Review status: criteria provided, single submitter. Criteria: Invitae Variant Classification Sherloc (09022015). Collection method: clinical testing. Allele origin: germline.
Comment: This sequence change replaces valine, which is neutral and non-polar, with aspartic acid, which is acidic and polar, at codon 368 of the SMCHD1 protein (p.Val368Asp). This variant is not present in population databases (gnomAD no frequency). This variant has not been reported in the literature in individuals affected with SMCHD1-related conditions. Advanced modeling of protein sequence and biophysical properties (such as structural, functional, and spatial information, amino acid conservation, physicochemical variation, residue mobility, and thermodynamic stability) performed at Invitae indicates that this missense variant is not expected to disrupt SMCHD1 protein function with a negative predictive value of 80%. In summary, the available evidence is currently insufficient to determine the role of this variant in disease. Therefore, it has been classified as a Variant of Uncertain Significance.

NM_015295.3(SMCHD1):c.1103T>A (p.Val368Asp)

Gene: SMCHD1 (structural maintenance of chromosomes flexible hinge domain containing 1; plus strand). Cytogenetic location: 18p11.32.
Variant type: single nucleotide variant.
Coding change: c.1103T>A on transcript NM_015295.3 (MANE Select); coding-DNA position 1103, T replaced by A.
Protein change: p.Val368Asp; replaces valine 368 with aspartic acid.
Molecular consequence: missense variant.
Genome position (GRCh38, 1-based): chr18:2,697,094, T>A. VCF-style: chr18-2697094-T-A. GRCh37 (hg19) VCF-style: chr18-2697092-T-A.
Other names: short protein forms V368D.
Identifiers: ClinVar variation 2899889 (VCV002899889.3), dbSNP rs2074300771, ClinGen allele CA401696419.